The following is an entry in ClinVar:

NM_005618.4(DLL1):c.635_636delinsAA (p.Cys212Ter)

Gene: DLL1 (delta like canonical Notch ligand 1; minus strand). Cytogenetic location: 6q27.
Variant type: Indel.
Coding change: c.635_636delinsAA on transcript NM_005618.4 (MANE Select); coding-DNA positions 635 to 636, GC replaced by AA.
Protein change: p.Cys212Ter; replaces cysteine 212 with a stop codon.
Molecular consequence: nonsense.
Genome position (GRCh38, 1-based): chr6:170,288,273-170,288,274, GC replaced by TT on the plus strand (GC replaced by AA on the coding strand, the reverse complement: DLL1 is on the minus strand). VCF-style: chr6-170288273-GC-TT. GRCh37 (hg19) VCF-style: chr6-170597361-GC-TT.
Other names: short protein forms C212*.
Identifiers: ClinVar variation 3384100 (VCV003384100.1).
Genomic context (GRCh38, chr6:170,288,273, plus strand): 5'-CCAGCGGTGCCTTCCCAGAGACTCACGCTCTGTGCAGTAGGGCCCTTTCCAGCCAGGGTT[GC>TT]ACACTTTCTCCCCACGCTCCCCACAGGTGAAGTGGCCGAAGGCATCGTCCCGGGGACGGC-3'

ClinVar aggregate classification (germline): Pathogenic (1 of 4 stars; one submission).

Conditions:
Neurodevelopmental disorder with nonspecific brain abnormalities and with or without seizures. Identifiers: MedGen C5231470, MONDO:0032877, OMIM 618709.

Submission:

Dubai Health Genomic Medicine Center, Dubai Health
Classification: Pathogenic for Neurodevelopmental disorder with nonspecific brain abnormalities and with or without seizures. Last evaluated: 2024-10-04. Review status: criteria provided, single submitter. Criteria: ACMG Guidelines, 2015. Collection method: research. Allele origin: germline. Affected: yes.
Comment: PVS1,PS2,PM2